The following is an entry in ClinVar:

ClinVar aggregate classification (germline): Conflicting classifications of pathogenicity. Review status: criteria provided, conflicting classifications (1 of 4 stars). 4 submissions from 4 submitters: Likely pathogenic (2); Uncertain significance (2). Last evaluated 2025-12-07.

Conditions:
Autosomal dominant hypocalcemia 1 (HYPOC1). Also called: HYPOCALCEMIA, FAMILIAL. Identifiers: MedGen C3715128, MONDO:0011013, OMIM 601198.
Familial hypocalciuric hypercalcemia (FHH). Also called: Familial benign hypercalcemia. Identifiers: Orphanet 405, MedGen C1809471, MONDO:0018458.

gnomAD v4.1: 2 of 1,613,710 alleles (0.00012%); highest among the groups gnomAD compares: Non-Finnish European, 0.00017%; no homozygotes.

Submissions (4):

Mayo Clinic Laboratories, Mayo Clinic
Classification: Likely pathogenic. Last evaluated: 2025-12-07. Review status: criteria provided, single submitter. Criteria: ACMG Guidelines, 2015. Collection method: clinical testing. Allele origin: germline. Observed: 1 variant allele.
Comment: PP2, PP3_strong, PM2_supporting, PM5

Women's Health and Genetics/Laboratory Corporation of America, LabCorp
Classification: Likely pathogenic for Familial hypocalciuric hypercalcemia. Last evaluated: 2025-07-10. Review status: criteria provided, single submitter. Criteria: LabCorp Variant Classification Summary - May 2015. Collection method: clinical testing. Allele origin: germline.
Comment: Variant summary: CASR c.2243C>T (p.Pro748Leu) results in a non-conservative amino acid change in the encoded protein sequence. Algorithms developed to predict the effect of missense changes on protein structure and function all suggest that this variant is likely to be disruptive. The variant was absent in 250560 control chromosomes. c.2243C>T has been observed in individual(s) affected with Familial Hypocalciuric Hypercalcemia (Flaris_2025, Hannan_2016, Mahto_2006, Internal_testing). These data indicate that the variant may be associated with disease. Different variants affecting the same codon have been classified as likely pathogenic/pathogenic by our lab (p.Pro748Gln, p.Pro748Arg, p.Pro748His), supporting the critical relevance of codon 748 to CASR protein function. To our knowledge, no experimental evidence demonstrating an impact on protein function has been reported. The following publications have been ascertained in the context of this evaluation (PMID: 39389817, 27647839). ClinVar contains an entry for this variant (Variation ID: 463923). Based on the evidence outlined above, the variant was classified as likely pathogenic.

Athena Diagnostics
Classification: Uncertain significance. Last evaluated: 2023-02-09. Review status: criteria provided, single submitter. Criteria: Athena Diagnostics Criteria. Collection method: clinical testing. Allele origin: unknown.
Comment: Available data are insufficient to determine the clinical significance of the variant at this time. This variant has not been reported in large, multi-ethnic general populations. This variant has been identified in at least one individual with clinical features associated with this gene. At least one other missense variant at this codon is considered to be pathogenic or likely pathogenic, suggesting this variant may also cause disease.

Labcorp Genetics (formerly Invitae), Labcorp
Classification: Uncertain significance for Familial hypocalciuric hypercalcemia; Hypocalcemia, autosomal dominant 1. Last evaluated: 2019-12-27. Review status: criteria provided, single submitter. Criteria: Invitae Variant Classification Sherloc (09022015). Collection method: clinical testing. Allele origin: germline.
Comment: This sequence change replaces proline with leucine at codon 748 of the CASR protein (p.Pro748Leu). The proline residue is highly conserved and there is a moderate physicochemical difference between proline and leucine. This variant is not present in population databases (ExAC no frequency). This variant has been observed in individual(s) affected with familial hypocalciuric hypercalcemia (PMID: 22422767). ClinVar contains an entry for this variant (Variation ID: 463923). Algorithms developed to predict the effect of missense changes on protein structure and function (SIFT, PolyPhen-2, Align-GVGD) all suggest that this variant is likely to be disruptive, but these predictions have not been confirmed by published functional studies. In summary, the available evidence is currently insufficient to determine the role of this variant in disease. Therefore, it has been classified as a Variant of Uncertain Significance.

Literature cited by the submitters: PubMed 22422767 (cited by 3 submitters); PubMed 39389817 (cited by Women's Health and Genetics/Laboratory Corporation of America, LabCorp); PubMed 27647839 (cited by Women's Health and Genetics/Laboratory Corporation of America, LabCorp).

NM_000388.4(CASR):c.2243C>T (p.Pro748Leu)

Gene: CASR (calcium sensing receptor; plus strand). Cytogenetic location: 3q21.1.
Variant type: single nucleotide variant.
Coding change: c.2243C>T on transcript NM_000388.4 (MANE Select); coding-DNA position 2243, C replaced by T.
Protein change: p.Pro748Leu; replaces proline 748 with leucine.
Molecular consequence: missense variant.
Genome position (GRCh38, 1-based): chr3:122,284,197, C>T. VCF-style: chr3-122284197-C-T. GRCh37 (hg19) VCF-style: chr3-122003044-C-T.
Other names: p.Pro748Leu; c.2273C>T, p.Pro758Leu (NM_001178065.2); short protein forms P748L, P758L.
Identifiers: ClinVar variation 463923 (VCV000463923.6), dbSNP rs193922433, ClinGen allele CA354159169.